The following is an entry in ClinVar:

ClinVar aggregate classification (germline): Likely benign (1 of 4 stars; one submission).

Allele frequency attached by ClinVar (database versions not stated): ExAC 0.00188; gnomAD 0.00337; ESP Exome Variant Server 0.00392; TOPMed 0.00425; 1000 Genomes Project 30x 0.00437; 1000 Genomes Project 0.00459.

Submission:

CeGaT Center for Human Genetics Tuebingen
Classification: Likely benign. Last evaluated: 2023-05-01. Review status: criteria provided, single submitter. Criteria: CeGaT Center For Human Genetics Tuebingen Variant Classification Criteria Version 2. Collection method: clinical testing. Allele origin: germline. Affected: yes. Observed: 1 variant allele.
Comment: DTYMK: BP4, BP7, BS2

NM_012145.4(DTYMK):c.513G>A (p.Thr171=)

Gene: DTYMK (deoxythymidylate kinase; minus strand). Cytogenetic location: 2q37.3.
Variant type: single nucleotide variant.
Coding change: c.513G>A on transcript NM_012145.4 (MANE Select); coding-DNA position 513, G replaced by A.
Protein change: p.Thr171=; no amino-acid change (threonine 171 retained).
Molecular consequence: synonymous variant. On other transcripts: 3 prime UTR variant (1), non-coding transcript variant (2).
Genome position (GRCh38, 1-based): chr2:241,678,467, C>T on the plus strand (G>A on the coding strand, the complement: DTYMK is on the minus strand). VCF-style: chr2-241678467-C-T. GRCh37 (hg19) VCF-style: chr2-242617882-C-T.
Other names: c.441G>A, p.Thr147= (NM_001165031.2); c.384G>A, p.Thr128= (NM_001320902.2); c.*8G>A (NM_001320903.2); c.456G>A, p.Thr152= (NM_001320904.2); c.630G>A, p.Thr210= (NM_001320905.2).
Identifiers: ClinVar variation 2652117 (VCV002652117.24), dbSNP rs150300178, ClinGen allele CA2220996.